The following is an entry in ClinVar:

ClinVar aggregate classification (germline): Pathogenic (1 of 4 stars; one submission).

Conditions:
Neurometabolic disorder due to serine deficiency. Identifiers: Orphanet 35705, MedGen C5680148, MONDO:0018162.

Submission:

Myriad Genetics, Inc.
Classification: Pathogenic for Neurometabolic disorder due to serine deficiency. Last evaluated: 2024-05-14. Review status: criteria provided, single submitter. Criteria: Myriad Autosomal Dominant, Autosomal Recessive and X-Linked Classification Criteria (2023). Collection method: clinical testing. Allele origin: unknown.
Comment: NM_006623.3(PHGDH):c.673_674del2ins13(C225Tfs*12) is expected to be pathogenic in the context of serine deficiency disorder, PHGDH-related. This variant is predicted to lead to an abnormal or absent protein product due to the creation of a premature termination codon in PHGDH, a gene where loss-of-function variants are known to be pathogenic. Please note: this variant was assessed in the context of healthy population screening.

NM_006623.4(PHGDH):c.673_674delinsACTGTCTCTTATA (p.Cys225fs)

Gene: PHGDH (phosphoglycerate dehydrogenase; plus strand). Cytogenetic location: 1p12.
Variant type: Indel.
Coding change: c.673_674delinsACTGTCTCTTATA on transcript NM_006623.4 (MANE Select); coding-DNA positions 673 to 674, TG replaced by ACTGTCTCTTATA.
Protein change: p.Cys225fs; shifts the reading frame from cysteine 225.
Molecular consequence: frameshift variant.
Genome position (GRCh38, 1-based): chr1:119,735,324-119,735,325, TG replaced by ACTGTCTCTTATA. VCF-style: chr1-119735324-TG-ACTGTCTCTTATA. GRCh37 (hg19) VCF-style: chr1-120277947-TG-ACTGTCTCTTATA.
Other names: short protein forms C225fs.
Identifiers: ClinVar variation 5011095 (VCV005011095.1).